The following is an entry in ClinVar:

NM_000138.5(FBN1):c.4439G>C (p.Arg1480Thr)

Gene: FBN1 (fibrillin 1; minus strand). Cytogenetic location: 15q21.1.
Variant type: single nucleotide variant.
Coding change: c.4439G>C on transcript NM_000138.5 (MANE Select); coding-DNA position 4439, G replaced by C.
Protein change: p.Arg1480Thr; replaces arginine 1480 with threonine.
Molecular consequence: missense variant.
Genome position (GRCh38, 1-based): chr15:48,470,654, C>G on the plus strand (G>C on the coding strand, the complement: FBN1 is on the minus strand). VCF-style: chr15-48470654-C-G. GRCh37 (hg19) VCF-style: chr15-48762851-C-G.
Other names: c.4439G>C, p.Arg1480Thr (NM_001406716.1); short protein forms R1480T.
Identifiers: ClinVar variation 3069755 (VCV003069755.1), dbSNP rs2505508344, ClinGen allele CA392354333.

ClinVar aggregate classification (germline): Uncertain significance (1 of 4 stars; one submission).

Conditions:
Marfan syndrome (MFS). Also called: MARFAN SYNDROME, TYPE I; Marfan syndrome type 1; Marfan's syndrome; Marfan syndrome, classic; FBN1-Related Marfan Syndrome. Identifiers: Orphanet 284963, Orphanet 558, MedGen C0024796, MONDO:0007947, OMIM 154700.

Allele frequency attached by ClinVar (database versions not stated): gnomAD exomes 0.00001.
gnomAD v4.1: 9 of 1,614,118 alleles (0.00056%); highest among the groups gnomAD compares: Non-Finnish European, 0.00076%; no homozygotes.

Submission:

All of Us Research Program, National Institutes of Health
Classification: Uncertain significance for Marfan syndrome. Last evaluated: 2023-03-07. Review status: criteria provided, single submitter. Criteria: ACMG Guidelines, 2015. Collection method: clinical testing. Allele origin: germline. Inheritance: Autosomal dominant inheritance. Observed: 1 variant allele, 1 heterozygote.
Comment: This missense variant replaces arginine with threonine at codon 1480 of the FBN1 protein. Computational prediction is inconclusive regarding the impact of this variant on protein structure and function (internally defined REVEL score threshold 0.5 < inconclusive < 0.7, PMID: 27666373). To our knowledge, functional studies have not been reported for this variant. This variant has not been reported in individuals affected with FBN1-related disorders in the literature. This variant has not been identified in the general population by the Genome Aggregation Database (gnomAD). The available evidence is insufficient to determine the role of this variant in disease conclusively. Therefore, this variant is classified as a Variant of Uncertain Significance.

This study involves interpretation of variants in research participants for the purpose of population health screening. Participant phenotype was not available at the time of variant classification. Additional details can be found in publication PMID: 35346344, PMCID: PMC8962531